The following is an entry in ClinVar:

ClinVar aggregate classification (germline): Pathogenic (3 of 4 stars; one submission).

Conditions:
Breast-ovarian cancer, familial, susceptibility to, 1 (BROVCA1). Also called: BRCA1 Hereditary Breast and Ovarian Cancer; OVARIAN CANCER, SUSCEPTIBILITY TO. Identifiers: Orphanet 145, MedGen C2676676, MONDO:0011450, OMIM 604370. Disease mechanism: loss of function.

Submission:

Evidence-based Network for the Interpretation of Germline Mutant Alleles (ENIGMA)
Classification: Pathogenic for Breast-ovarian cancer, familial, susceptibility to, 1. Last evaluated: 2017-12-15. Review status: reviewed by expert panel. Criteria: ENIGMA BRCA1/2 Classification Criteria (2017-06-29). Collection method: curation. Allele origin: germline. Study: ENIGMA.
Comment: Variant allele predicted to encode a truncated non-functional protein.

NM_007294.4(BRCA1):c.2866dup (p.Ser956fs)

Gene: BRCA1 (BRCA1 DNA repair associated; minus strand). Cytogenetic location: 17q21.31.
Variant type: Duplication.
Coding change: c.2866dup on transcript NM_007294.4 (MANE Select); coding-DNA position 2866, one base duplicated (T; older notation c.2866dupT).
Protein change: p.Ser956fs; shifts the reading frame from serine 956.
Molecular consequence: frameshift variant. On other transcripts: intron variant (137).
Genome position (GRCh38, 1-based): chr17:43,092,665, A duplicated on the plus strand (T on the coding strand, the reverse complement: BRCA1 is on the minus strand). VCF-style (leftmost placement, unchanged base first): chr17-43092664-G-GA. GRCh37 (hg19) VCF-style: chr17-41244681-G-GA.
Other names: c.2866dupT (NM_007294.3); c.2656dup, p.Ser886fs (NM_001407879.1, NM_001407881.1, NM_001407882.1 and 13 more transcripts); c.2653dup, p.Ser885fs (NM_001407894.1, NM_001407895.1, NM_001407896.1 and 9 more transcripts); c.2743dup, p.Ser915fs (NM_001407919.1, NM_001407937.1, NM_001407938.1 and 19 more transcripts); c.2602dup, p.Ser868fs (NM_001407920.1, NM_001407921.1, NM_001407922.1 and 9 more transcripts); c.2599dup, p.Ser867fs (NM_001407930.1, NM_001407931.1, NM_001407932.1 and 2 more transcripts); c.2740dup, p.Ser914fs (NM_001407940.1, NM_001407941.1, NM_001407649.1 and 11 more transcripts); c.2725dup, p.Ser909fs (NM_001407942.1, NM_001407944.1, NM_001407945.1 and 29 more transcripts); and 42 more; short protein forms S956fs, S909fs, S829fs, S867fs, S868fs, S885fs, S888fs, S929fs.
Identifiers: ClinVar variation 548249 (VCV000548249.2), dbSNP rs1555588822, ClinGen allele CA658823987.